The following is an entry in ClinVar:

NM_019098.5(CNGB3):c.357del (p.Ala120fs)

Gene: CNGB3 (cyclic nucleotide gated channel subunit beta 3; minus strand). Cytogenetic location: 8q21.3.
Variant type: Deletion.
Coding change: c.357del on transcript NM_019098.5 (MANE Select); coding-DNA position 357, one base deleted (T; older notation c.357delT).
Protein change: p.Ala120fs; shifts the reading frame from alanine 120.
Molecular consequence: frameshift variant.
Genome position (GRCh38, 1-based): chr8:86,671,080, A deleted on the plus strand (T on the coding strand, the reverse complement: CNGB3 is on the minus strand). VCF-style (leftmost placement, unchanged base first): chr8-86671079-CA-C. GRCh37 (hg19) VCF-style: chr8-87683307-CA-C.
Other names: short protein forms A120fs.
Identifiers: ClinVar variation 1355916 (VCV001355916.6), dbSNP rs2131619089, ClinGen allele CA2573143416.

ClinVar aggregate classification (germline): Pathogenic (1 of 4 stars; one submission).

Submission:

Labcorp Genetics (formerly Invitae), Labcorp
Classification: Pathogenic. Last evaluated: 2021-02-06. Review status: criteria provided, single submitter. Criteria: Invitae Variant Classification Sherloc (09022015). Collection method: clinical testing. Allele origin: germline.
Comment: This sequence change creates a premature translational stop signal (p.Ala120Glnfs*5) in the CNGB3 gene. It is expected to result in an absent or disrupted protein product. Loss-of-function variants in CNGB3 are known to be pathogenic (PMID: 28795510). This variant is not present in population databases (ExAC no frequency). This variant has not been reported in the literature in individuals with CNGB3-related conditions. For these reasons, this variant has been classified as Pathogenic.

Literature cited by the submitters: PubMed 28795510.